The following is an entry in ClinVar:

NM_024577.4(SH3TC2):c.2083C>G (p.Gln695Glu)

Gene: SH3TC2 (SH3 domain and tetratricopeptide repeats 2; minus strand). Cytogenetic location: 5q32.
Variant type: single nucleotide variant.
Coding change: c.2083C>G on transcript NM_024577.4 (MANE Select); coding-DNA position 2083, C replaced by G.
Protein change: p.Gln695Glu; replaces glutamine 695 with glutamic acid.
Molecular consequence: missense variant.
Genome position (GRCh38, 1-based): chr5:149,027,649, G>C on the plus strand (C>G on the coding strand, the complement: SH3TC2 is on the minus strand). VCF-style: chr5-149027649-G-C. GRCh37 (hg19) VCF-style: chr5-148407212-G-C.
Other names: short protein forms Q695E.
Identifiers: ClinVar variation 805446 (VCV000805446.7), dbSNP rs770170997, ClinGen allele CA3499064.

ClinVar aggregate classification (germline): Uncertain significance. Review status: criteria provided, multiple submitters, no conflicts (2 of 4 stars). 3 submissions from 3 submitters: Uncertain significance (3). Last evaluated 2025-02-03.

Conditions:
Charcot-Marie-Tooth disease type 4. Also called: Charcot-Marie-Tooth, Type 4; Charcot-Marie-Tooth disease, type IV. Identifiers: Orphanet 64749, MedGen C4082197, MONDO:0018995.
Inborn genetic diseases. Identifiers: MedGen C0950123, MeSH D030342.

Allele frequency attached by ClinVar (database versions not stated): gnomAD exomes below 0.00001; ExAC 0.00001; gnomAD 0.00001; TOPMed 0.00001.

Submissions (3):

Ambry Genetics
Classification: Uncertain significance for Inborn genetic diseases. Last evaluated: 2025-02-03. Review status: criteria provided, single submitter. Criteria: Ambry Variant Classification Scheme 2023. Collection method: clinical testing. Allele origin: germline.

Labcorp Genetics (formerly Invitae), Labcorp
Classification: Uncertain significance for Charcot-Marie-Tooth disease type 4. Last evaluated: 2023-07-07. Review status: criteria provided, single submitter. Criteria: Invitae Variant Classification Sherloc (09022015). Collection method: clinical testing. Allele origin: germline.
Comment: In summary, the available evidence is currently insufficient to determine the role of this variant in disease. Therefore, it has been classified as a Variant of Uncertain Significance. Advanced modeling of protein sequence and biophysical properties (such as structural, functional, and spatial information, amino acid conservation, physicochemical variation, residue mobility, and thermodynamic stability) performed at Invitae indicates that this missense variant is not expected to disrupt SH3TC2 protein function. ClinVar contains an entry for this variant (Variation ID: 805446). This variant has not been reported in the literature in individuals affected with SH3TC2-related conditions. The frequency data for this variant in the population databases is considered unreliable, as metrics indicate poor data quality at this position in the gnomAD database. This sequence change replaces glutamine, which is neutral and polar, with glutamic acid, which is acidic and polar, at codon 695 of the SH3TC2 protein (p.Gln695Glu).

Athena Diagnostics
Classification: Uncertain significance. Last evaluated: 2018-11-27. Review status: criteria provided, single submitter. Criteria: Athena Diagnostics Criteria. Collection method: clinical testing. Allele origin: germline.